The following is an entry in ClinVar:

NM_006343.3(MERTK):c.200C>G (p.Pro67Arg)

Gene: MERTK (MER proto-oncogene, tyrosine kinase; plus strand). Cytogenetic location: 2q13.
Variant type: single nucleotide variant.
Coding change: c.200C>G on transcript NM_006343.3 (MANE Select); coding-DNA position 200, C replaced by G.
Protein change: p.Pro67Arg; replaces proline 67 with arginine.
Molecular consequence: missense variant.
Genome position (GRCh38, 1-based): chr2:111,929,258, C>G. VCF-style: chr2-111929258-C-G. GRCh37 (hg19) VCF-style: chr2-112686835-C-G.
Other names: short protein forms P67R.
Identifiers: ClinVar variation 2006083 (VCV002006083.4), dbSNP rs777970779, ClinGen allele CA1830994.

ClinVar aggregate classification (germline): Uncertain significance (1 of 4 stars; one submission).

gnomAD v4.1: 7 of 1,614,072 alleles (0.00043%); highest among the groups gnomAD compares: Non-Finnish European, 0.00034%; no homozygotes.

Submission:

Labcorp Genetics (formerly Invitae), Labcorp
Classification: Uncertain significance. Last evaluated: 2022-06-14. Review status: criteria provided, single submitter. Criteria: Invitae Variant Classification Sherloc (09022015). Collection method: clinical testing. Allele origin: germline.
Comment: Algorithms developed to predict the effect of missense changes on protein structure and function (SIFT, PolyPhen-2, Align-GVGD) all suggest that this variant is likely to be disruptive. In summary, the available evidence is currently insufficient to determine the role of this variant in disease. Therefore, it has been classified as a Variant of Uncertain Significance. This variant has not been reported in the literature in individuals affected with MERTK-related conditions. This variant is present in population databases (rs777970779, gnomAD 0.01%). This sequence change replaces proline, which is neutral and non-polar, with arginine, which is basic and polar, at codon 67 of the MERTK protein (p.Pro67Arg).